The following is an entry in ClinVar:

NM_000038.6(APC):c.4816del (p.Ala1606fs)

Gene: APC (APC regulator of Wnt signaling pathway; plus strand). Cytogenetic location: 5q22.2.
Variant type: Deletion.
Coding change: c.4816del on transcript NM_000038.6 (MANE Select); coding-DNA position 4816, one base deleted (G; older notation c.4816delG).
Protein change: p.Ala1606fs; shifts the reading frame from alanine 1606.
Molecular consequence: frameshift variant.
Genome position (GRCh38, 1-based): chr5:112,840,410, G deleted; the last of 2 consecutive G bases (chr5:112,840,409-112,840,410); deleting either gives the same sequence. VCF-style (leftmost placement, unchanged base first): chr5-112840408-TG-T. GRCh37 (hg19) VCF-style: chr5-112176105-TG-T.
Other names: c.4816del, p.Ala1606fs (NM_001127510.3, NM_001354895.2); c.4762del, p.Ala1588fs (NM_001127511.3); c.4870del, p.Ala1624fs (NM_001354896.2); c.4846del, p.Ala1616fs (NM_001354897.2); c.4741del, p.Ala1581fs (NM_001354898.2); c.4732del, p.Ala1578fs (NM_001354899.2); c.4693del, p.Ala1565fs (NM_001354900.2); c.4639del, p.Ala1547fs (NM_001354901.2); and 5 more; short protein forms A1565fs, A1578fs, A1624fs, A1323fs, A1547fs, A1581fs, A1446fs, A1480fs.
Identifiers: ClinVar variation 1459357 (VCV001459357.6), dbSNP rs2149924494, ClinGen allele CA2573138710.

ClinVar aggregate classification (germline): Pathogenic (1 of 4 stars; one submission).

Conditions:
Familial adenomatous polyposis 1 (FAP1). Also called: POLYPOSIS, ADENOMATOUS INTESTINAL; FAMILIAL ADENOMATOUS POLYPOSIS 1, ATTENUATED. Identifiers: MedGen C2713442, MONDO:0021056, OMIM 175100. Disease mechanism: loss of function.

Submission:

Labcorp Genetics (formerly Invitae), Labcorp
Classification: Pathogenic for Familial adenomatous polyposis 1. Last evaluated: 2023-01-27. Review status: criteria provided, single submitter. Criteria: Invitae Variant Classification Sherloc (09022015). Collection method: clinical testing. Allele origin: germline.
Comment: For these reasons, this variant has been classified as Pathogenic. A different truncation (p.Tyr2645Lysfs*14) that lies downstream of this variant has been determined to be pathogenic (PMID: 9824584, 1316610, 27081525, 8381579, 22135120, Invitae). This suggests that deletion of this region of the APC protein is causative of disease. This variant is expected to disrupt the EB1 and HDLG binding sites, which mediate interactions with the cytoskeleton (PMID: 15311282, 17293347). While functional studies have not been performed to directly test the effect on APC protein function, this suggests that disruption of the C-terminal portion of the protein is functionally important. ClinVar contains an entry for this variant (Variation ID: 1459357). This variant has not been reported in the literature in individuals affected with APC-related conditions. This variant is not present in population databases (gnomAD no frequency). This sequence change creates a premature translational stop signal (p.Ala1606Glnfs*44) in the APC gene. While this is not anticipated to result in nonsense mediated decay, it is expected to disrupt the last 1238 amino acid(s) of the APC protein.

Literature cited by the submitters: PubMed 9824584; PubMed 1316610; PubMed 27081525; PubMed 8381579; PubMed 22135120; PubMed 15311282; PubMed 17293347.